The following is an entry in ClinVar:

ClinVar aggregate classification (germline): Likely benign. Review status: criteria provided, multiple submitters, no conflicts (2 of 4 stars). 2 submissions from 2 submitters: Likely benign (2). Last evaluated 2026-06-18.

Conditions:
Retinoblastoma (RB1). Also called: RETINOBLASTOMA, SOMATIC. Identifiers: Orphanet 790, MedGen C0035335, MeSH D012175, MONDO:0008380, OMIM 180200, HP:0009919. Disease mechanism: loss of function. Inheritance: Both sporadic and heritable forms are tested..

Submissions (2):

Myriad Genetics, Inc.
Classification: Likely benign for Retinoblastoma. Last evaluated: 2026-06-18. Review status: criteria provided, single submitter. Criteria: Myriad Autosomal Dominant, Autosomal Recessive and X-Linked Classification Criteria (2023). Collection method: clinical testing. Allele origin: unknown.
Comment: This variant is considered likely benign. This variant is intronic and is not expected to impact mRNA splicing.

Labcorp Genetics (formerly Invitae), Labcorp
Classification: Likely benign for Retinoblastoma. Last evaluated: 2024-03-11. Review status: criteria provided, single submitter. Criteria: Invitae Variant Classification Sherloc (09022015). Collection method: clinical testing. Allele origin: germline.

NM_000321.3(RB1):c.1049+10A>G

Gene: RB1 (RB transcriptional corepressor 1; plus strand). Cytogenetic location: 13q14.2.
Variant type: single nucleotide variant.
Coding change: c.1049+10A>G on transcript NM_000321.3 (MANE Select); 10 bases into the intron after coding-DNA position 1049, A replaced by G.
Molecular consequence: intron variant.
Genome position (GRCh38, 1-based): chr13:48,367,613, A>G. VCF-style: chr13-48367613-A-G. GRCh37 (hg19) VCF-style: chr13-48941749-A-G.
Other names: c.1049+10A>G (NM_001407165.1, NM_001407166.1).
Identifiers: ClinVar variation 3674007 (VCV003674007.3).